The following is an entry in ClinVar:

ClinVar aggregate classification (germline): Pathogenic (1 of 4 stars; one submission).

Conditions:
Autosomal recessive limb-girdle muscular dystrophy type 2A (LGMDR1). Also called: Limb-girdle muscular dystrophy, type 2A; Muscular dystrophy, limb-girdle, type 2A, Amish; LEYDEN-MOEBIUS MUSCULAR DYSTROPHY; MUSCULAR DYSTROPHY, PELVOFEMORAL; Calpainopathy. Identifiers: Orphanet 267, MedGen C1869123, MONDO:0009675, OMIM 253600. Disease mechanism: loss of function.

gnomAD v4.1: 13 of 1,410,698 alleles (0.00092%); highest among the groups gnomAD compares: Non-Finnish European, 0.0013%; no homozygotes.

Submission:

Labcorp Genetics (formerly Invitae), Labcorp
Classification: Pathogenic for Autosomal recessive limb-girdle muscular dystrophy type 2A. Last evaluated: 2022-01-12. Review status: criteria provided, single submitter. Criteria: Invitae Variant Classification Sherloc (09022015). Collection method: clinical testing. Allele origin: germline.
Comment: For these reasons, this variant has been classified as Pathogenic. Algorithms developed to predict the effect of sequence changes on RNA splicing suggest that this variant may disrupt the consensus splice site. Disruption of this splice site has been observed in individuals with autosomal recessive limb-girdle muscular dystrophy (PMID: 11525884). This variant is present in population databases (rs768374736, gnomAD 0.0009%). This sequence change affects a donor splice site in intron 18 of the CAPN3 gene. It is expected to disrupt RNA splicing. Variants that disrupt the donor or acceptor splice site typically lead to a loss of protein function (PMID: 16199547), and loss-of-function variants in CAPN3 are known to be pathogenic (PMID: 10330340, 15689361).

Literature cited by the submitters: PubMed 11525884; PubMed 16199547; PubMed 10330340; PubMed 15689361.

NM_000070.3(CAPN3):c.2050+1G>C

Gene: CAPN3 (calpain 3; plus strand). Cytogenetic location: 15q15.1.
Variant type: single nucleotide variant.
Coding change: c.2050+1G>C on transcript NM_000070.3 (MANE Select); the canonical splice donor site of the intron after coding-DNA position 2050, G replaced by C.
Molecular consequence: splice donor variant.
Genome position (GRCh38, 1-based): chr15:42,409,845, G>C. VCF-style: chr15-42409845-G-C. GRCh37 (hg19) VCF-style: chr15-42702043-G-C.
Other names: c.1774+1G>C (NM_173087.2); c.514+1G>C (NM_173088.2); c.55+1G>C (NM_173090.2, NM_173089.2); c.2032+1G>C (NM_024344.2).
Identifiers: ClinVar variation 1358312 (VCV001358312.6), dbSNP rs768374736, ClinGen allele CA7511672.
Genomic context (GRCh38, chr15:42,409,845, plus strand): 5'-AGGACATGGAGATCTGTGCAGATGAGCTCAAGAAGGTCCTTAACACAGTCGTGAACAAAC[G>C]TGAGTTGCTCAAACCAAATGGGGGTGGGGTGGGTGGGGAGTCCCGTTGTCTCAAAGCAGC-3'